The following is an entry in ClinVar:

NM_006648.4(WNK2):c.578G>A (p.Arg193His)

Gene: WNK2 (WNK lysine deficient protein kinase 2; plus strand). Cytogenetic location: 9q22.31.
Variant type: single nucleotide variant.
Coding change: c.578G>A on transcript NM_006648.4 (MANE Select); coding-DNA position 578, G replaced by A.
Protein change: p.Arg193His; replaces arginine 193 with histidine.
Molecular consequence: missense variant.
Genome position (GRCh38, 1-based): chr9:93,185,507, G>A. VCF-style: chr9-93185507-G-A. GRCh37 (hg19) VCF-style: chr9-95947789-G-A.
Other names: c.578G>A, p.Arg193His (NM_001282394.3); short protein forms R193H.
Identifiers: ClinVar variation 5031790 (VCV005031790.1).

ClinVar aggregate classification (germline): Uncertain significance (1 of 4 stars; one submission).

Submission:

Ambry Genetics
Classification: Uncertain significance. Last evaluated: 2026-06-17. Review status: criteria provided, single submitter. Criteria: Ambry Variant Classification Scheme 2023. Collection method: clinical testing. Allele origin: germline.
Comment: The p.R193H variant (also known as c.578G>A), located in coding exon 1 of the WNK2 gene, results from a G to A substitution at nucleotide position 578. The arginine at codon 193 is replaced by histidine, an amino acid with highly similar properties. This amino acid position is conserved. In addition, the in silico prediction for this alteration is inconclusive. Based on the available evidence, the clinical significance of this variant remains unclear.